The following is an entry in ClinVar:

ClinVar aggregate classification (germline): Uncertain significance. Review status: criteria provided, multiple submitters, no conflicts (2 of 4 stars). 2 submissions from 2 submitters: Uncertain significance (2). Last evaluated 2024-10-01.

Conditions:
Inborn genetic diseases. Identifiers: MedGen C0950123, MeSH D030342.

Allele frequency attached by ClinVar (database versions not stated): TOPMed below 0.00001; ExAC 0.00001.
gnomAD v4.1: 1 of 1,589,922 alleles (0.000063%); highest among the groups gnomAD compares: Non-Finnish European, 0.000086%; no homozygotes.

Submissions (2):

Ambry Genetics
Classification: Uncertain significance for Inborn genetic diseases. Last evaluated: 2024-10-01. Review status: criteria provided, single submitter. Criteria: Ambry Variant Classification Scheme 2023. Collection method: clinical testing. Allele origin: germline.

Labcorp Genetics (formerly Invitae), Labcorp
Classification: Uncertain significance. Last evaluated: 2022-05-10. Review status: criteria provided, single submitter. Criteria: Invitae Variant Classification Sherloc (09022015). Collection method: clinical testing. Allele origin: germline.
Comment: Algorithms developed to predict the effect of missense changes on protein structure and function output the following: SIFT: "Tolerated"; PolyPhen-2: "Benign"; Align-GVGD: "Class C0". The glutamine amino acid residue is found in multiple mammalian species, which suggests that this missense change does not adversely affect protein function. In summary, the available evidence is currently insufficient to determine the role of this variant in disease. Therefore, it has been classified as a Variant of Uncertain Significance. This variant has not been reported in the literature in individuals affected with P3H2-related conditions. This sequence change replaces proline, which is neutral and non-polar, with glutamine, which is neutral and polar, at codon 396 of the P3H2 protein (p.Pro396Gln). This variant is present in population databases (rs774202013, gnomAD 0.0009%).

NM_018192.4(P3H2):c.1187C>A (p.Pro396Gln)

Gene: P3H2 (prolyl 3-hydroxylase 2; minus strand). Cytogenetic location: 3q28.
Variant type: single nucleotide variant.
Coding change: c.1187C>A on transcript NM_018192.4 (MANE Select); coding-DNA position 1187, C replaced by A.
Protein change: p.Pro396Gln; replaces proline 396 with glutamine.
Molecular consequence: missense variant.
Genome position (GRCh38, 1-based): chr3:189,986,789, G>T on the plus strand (C>A on the coding strand, the complement: P3H2 is on the minus strand). VCF-style: chr3-189986789-G-T. GRCh37 (hg19) VCF-style: chr3-189704578-G-T.
Other names: c.644C>A, p.Pro215Gln (NM_001134418.2); c.1187C>A (NM_018192.3); short protein forms P215Q, P396Q.
Identifiers: ClinVar variation 1943651 (VCV001943651.6), dbSNP rs774202013, ClinGen allele CA2753060.